The following is an entry in ClinVar:

NM_003680.4(YARS1):c.820+17del

Genes: YARS1 (tyrosyl-tRNA synthetase 1; minus strand), LOC126805688 (BRD4-independent group 4 enhancer GRCh37_chr1:33251929-33253128; plus strand). Cytogenetic location: 1p35.1.
Variant type: Deletion.
Coding change: c.820+17del on transcript NM_003680.4 (MANE Select); 17 bases into the intron after coding-DNA position 820, one base deleted (T; older notation c.820+17delT).
Molecular consequence: intron variant.
Genome position (GRCh38, 1-based): chr1:32,786,923, A deleted on the plus strand (T on the coding strand, the reverse complement: YARS1 is on the minus strand); the first of 4 consecutive A bases (chr1:32,786,923-32,786,926); deleting any one gives the same sequence. VCF-style (leftmost placement, unchanged base first): chr1-32786922-GA-G. GRCh37 (hg19) VCF-style: chr1-33252523-GA-G.
Other names: c.820+17delT (NM_003680.3).
Identifiers: ClinVar variation 508808 (VCV000508808.9), dbSNP rs765601557, ClinGen allele CA745101.
Genomic context (GRCh38, chr1:32,786,922, plus strand): 5'-TGACAAATCACAAGTATGATCACAGCACGAACTTTTCTATTCTAGCCTGGCCTCTAGGAA[GA>G]AAACAGAGAGTGTTACCGGACTTAAGGGGAAAAAGGACATGCTTGATGAAGGACAGAACC-3'

ClinVar aggregate classification (germline): Benign/Likely benign. Review status: criteria provided, multiple submitters, no conflicts (2 of 4 stars). 2 submissions from 2 submitters: Benign (1); Likely benign (1). Last evaluated 2025-11-24.

Conditions:
Charcot-Marie-Tooth disease dominant intermediate C (CMTDIC). Also called: CHARCOT-MARIE-TOOTH NEUROPATHY, DOMINANT INTERMEDIATE C. Identifiers: Orphanet 100045, MedGen C1842237, MONDO:0012012, OMIM 608323.

Submissions (2):

Labcorp Genetics (formerly Invitae), Labcorp
Classification: Benign for Charcot-Marie-Tooth disease dominant intermediate C. Last evaluated: 2025-11-24. Review status: criteria provided, single submitter. Criteria: Invitae Variant Classification Sherloc (09022015). Collection method: clinical testing. Allele origin: germline.

GeneDx
Classification: Likely benign. Last evaluated: 2018-01-04. Review status: criteria provided, single submitter. Criteria: GeneDx Variant Classification (06012015). Collection method: clinical testing. Allele origin: germline. Affected: yes.
Comment: This variant is considered likely benign or benign based on one or more of the following criteria: it is a conservative change, it occurs at a poorly conserved position in the protein, it is predicted to be benign by multiple in silico algorithms, and/or has population frequency not consistent with disease.